The following is an entry in ClinVar:

NM_019066.5(MAGEL2):c.687G>A (p.Met229Ile)

Gene: MAGEL2 (MAGE family member L2; minus strand). Cytogenetic location: 15q11.2.
Variant type: single nucleotide variant.
Coding change: c.687G>A on transcript NM_019066.5 (MANE Select); coding-DNA position 687, G replaced by A.
Protein change: p.Met229Ile; replaces methionine 229 with isoleucine.
Molecular consequence: missense variant.
Genome position (GRCh38, 1-based): chr15:23,647,056, C>T on the plus strand (G>A on the coding strand, the complement: MAGEL2 is on the minus strand). VCF-style: chr15-23647056-C-T. GRCh37 (hg19) VCF-style: chr15-23892203-C-T.
Other names: short protein forms M229I.
Identifiers: ClinVar variation 698007 (VCV000698007.17), dbSNP rs574367928, ClinGen allele CA7430087.

ClinVar aggregate classification (germline): Benign/Likely benign. Review status: criteria provided, multiple submitters, no conflicts (2 of 4 stars). 5 submissions from 5 submitters: Benign (1); Likely benign (4). Last evaluated 2026-06-01.

Conditions:
Inborn genetic diseases. Identifiers: MedGen C0950123, MeSH D030342.

Allele frequency attached by ClinVar (database versions not stated): ExAC 0.00021; gnomAD 0.00070 and 0.00080; TOPMed 0.00096; gnomAD exomes 0.00007 and 0.00020; 1000 Genomes Project 30x 0.00016; 1000 Genomes Project 0.00020.
gnomAD v4.1: 206 of 1,536,372 alleles (0.013%); highest among the groups gnomAD compares: African/African-American, 0.23%; 2 homozygotes.

Submissions (5):

CeGaT Center for Human Genetics Tuebingen
Classification: Likely benign. Last evaluated: 2026-06-01. Review status: criteria provided, single submitter. Criteria: CeGaT Center For Human Genetics Tuebingen Variant Classification Criteria Version 2. Collection method: clinical testing. Allele origin: germline. Affected: yes. Observed: 2 variant alleles.
Comment: MAGEL2: BS1

Labcorp Genetics (formerly Invitae), Labcorp
Classification: Likely benign. Last evaluated: 2026-01-28. Review status: criteria provided, single submitter. Criteria: Invitae Variant Classification Sherloc (09022015). Collection method: clinical testing. Allele origin: germline.

Ambry Genetics
Classification: Likely benign for Inborn genetic diseases. Last evaluated: 2024-12-26. Review status: criteria provided, single submitter. Criteria: Ambry Variant Classification Scheme 2023. Collection method: clinical testing. Allele origin: germline.

Blueprint Genetics
Classification: Likely benign. Last evaluated: 2023-02-14. Review status: criteria provided, single submitter. Criteria: ACMG Guidelines, 2015. Collection method: clinical testing. Allele origin: germline.

GeneDx
Classification: Benign. Last evaluated: 2021-07-18. Review status: criteria provided, single submitter. Criteria: GeneDx Variant Classification Process June 2021. Collection method: clinical testing. Allele origin: germline. Affected: yes.